The following is an entry in ClinVar:

ClinVar aggregate classification (germline): Benign (1 of 4 stars; one submission).

Submission:

GeneDx
Classification: Benign. Last evaluated: 2018-06-16. Review status: criteria provided, single submitter. Criteria: GeneDx Variant Classification (06012015). Collection method: clinical testing. Allele origin: germline. Affected: yes.
Comment: This variant is considered likely benign or benign based on one or more of the following criteria: it is a conservative change, it occurs at a poorly conserved position in the protein, it is predicted to be benign by multiple in silico algorithms, and/or has population frequency not consistent with disease.

NM_006939.4(SOS2):c.2057+288dup

Gene: SOS2 (SOS Ras/Rho guanine nucleotide exchange factor 2; minus strand). Cytogenetic location: 14q21.3.
Variant type: Duplication.
Coding change: c.2057+288dup on transcript NM_006939.4 (MANE Select); 288 bases into the intron after coding-DNA position 2057, one base duplicated (T; older notation c.2057+288dupT).
Molecular consequence: intron variant.
Genome position (GRCh38, 1-based): chr14:50,156,706, A duplicated on the plus strand (T on the coding strand, the reverse complement: SOS2 is on the minus strand); the first of 6 consecutive A bases (chr14:50,156,706-50,156,711); duplicating any one gives the same sequence. VCF-style (leftmost placement, unchanged base first): chr14-50156705-T-TA. GRCh37 (hg19) VCF-style: chr14-50623423-T-TA.
Other names: c.2057+293dupT (NM_006939.2).
Identifiers: ClinVar variation 561930 (VCV000561930.1), dbSNP rs139321261, ClinGen allele CA260733876.